The following is an entry in ClinVar:

ClinVar aggregate classification (germline): Uncertain significance (1 of 4 stars; one submission).

Conditions:
Short stature, facial dysmorphism, and skeletal anomalies with or without cardiac anomalies 2. Identifiers: MedGen C5543057, MONDO:0030953, OMIM 619184.

gnomAD v4.1: 1 of 1,609,760 alleles (0.000062%); highest among the groups gnomAD compares: South Asian, 0.0011%; no homozygotes.

Submission:

Neuberg Centre For Genomic Medicine, NCGM
Classification: Uncertain significance for Short stature, facial dysmorphism, and skeletal anomalies with or without cardiac anomalies 2. Review status: criteria provided, single submitter. Criteria: ACMG Guidelines, 2015. Collection method: clinical testing. Allele origin: germline. Inheritance: Autosomal recessive inheritance. Affected: yes.
Comment: The missense c.799A>C(p.Met267Leu) variant in SCUBE3 has not been reported as a pathogenic variant nor a benign variant, to our knowledge. The p.Met267Leu variant is novel (not in any individuals) in both gnomAD Exomes and 1000 Genomes databases. This variant has not been reported to the ClinVar database. The amino acid change p.Met267Leu in SCUBE3 is predicted as conserved by GERP++ and PhyloP across 100 vertebrates. The amino acid Met at position 267 is changed to a Leu changing protein sequence and it might alter its composition and physico-chemical properties. For these reasons, this variant has been classified as a Variant of Uncertain Significance (VUS).

NM_152753.4(SCUBE3):c.799A>C (p.Met267Leu)

Gene: SCUBE3 (signal peptide, CUB domain and EGF like domain containing 3; plus strand). Cytogenetic location: 6p21.31.
Variant type: single nucleotide variant.
Coding change: c.799A>C on transcript NM_152753.4 (MANE Select); coding-DNA position 799, A replaced by C.
Protein change: p.Met267Leu; replaces methionine 267 with leucine.
Molecular consequence: missense variant.
Genome position (GRCh38, 1-based): chr6:35,237,988, A>C. VCF-style: chr6-35237988-A-C. GRCh37 (hg19) VCF-style: chr6-35205765-A-C.
Other names: c.796A>C, p.Met266Leu (NM_001303136.2); short protein forms M266L, M267L.
Identifiers: ClinVar variation 2664229 (VCV002664229.1), dbSNP rs768089598, ClinGen allele CA363753867.
Genomic context (GRCh38, chr6:35,237,988, plus strand): 5'-TGTGACAGTAAGTGCCATGATGCAGCGACTGGTGTCCACTGCACCTGCCCTGTGGGCTTC[A>C]TGCTGCAGCCAGACAGGAAGACGTGCAAAGGTAAGGACTTTGAGAGGACAGAAGCAGAGT-3'
Protein context (NP_689966.2, residues 257-277): GVHCTCPVGF[Met267Leu]LQPDRKTCKD